The following is an entry in ClinVar:

GRCh38/hg38 17q12(chr17:36459736-37884738)x3

Genes: AATF (apoptosis antagonizing transcription factor; plus strand), ACACA (acetyl-CoA carboxylase alpha; minus strand), C17orf78 (chromosome 17 open reading frame 78; plus strand), DDX52 (DExD-box helicase 52; minus strand), DHRS11 (dehydrogenase/reductase 11; plus strand) and 30 more. Cytogenetic location: 17q12.
Variant type: copy number gain.
Change: copy number 3 (three copies instead of two) of chr17:36,459,736-37,884,738 (1.43 Mb, GRCh38 coordinates, 1-based), cytogenetic band 17q12.
Identifiers: ClinVar variation 4755371 (VCV004755371.1).

ClinVar aggregate classification (germline): Pathogenic (1 of 4 stars; one submission).

Submission:

Clinical Genomics Laboratory, Laboratory for Precision Diagnostics, University of Washington
Classification: Pathogenic. Last evaluated: 2021-11-10. Review status: criteria provided, single submitter. Criteria: ACMG/ClinGen CNV Guidelines, 2019. Collection method: clinical testing. Allele origin: unknown. Affected: yes. Observed: 1 variant allele.
Comment: A pathogenic duplication of chromosome 17q12 was detected, associated with the 17q12 microduplication syndrome.

Literature cited by the submitters: PubMed 28040137; PubMed 30134084; PubMed 27409573; PubMed 23258348.